The following is an entry in ClinVar:

NC_012920.1(MT-RNR1):m.827A>G

Gene: MT-RNR1 (mitochondrially encoded 12S RNA; plus strand).
Variant type: single nucleotide variant.
Genome position: chrM-827-A-G.
Other names: m.827A>G; A827G; 827A-G.
Identifiers: ClinVar variation 9634 (VCV000009634.8), dbSNP rs28358569, ClinGen allele CA254848.
Genomic context (GRCh38, chrMT:827, plus strand): 5'-CAGCAATGCAGCTCAAAACGCTTAGCCTAGCCACACCCCCACGGGAAACAGCAGTGATTA[A>G]CCTTTAGCAATAAACGAAAGTTTAACTAAGCTATACTAACCCCAGGGTTGGTCAATTTCG-3'

ClinVar aggregate classification (germline): Uncertain significance; drug response. Review status: criteria provided, multiple submitters, no conflicts (2 of 4 stars). 4 submissions from 3 submitters: Uncertain significance (1). 2 of the submissions do not count toward it. Last evaluated 2024-06-14.

Conditions:
Mitochondrial non-syndromic sensorineural hearing loss. Also called: Nonsyndromic Hearing Loss and Deafness, Mitochondrial. Identifiers: Orphanet 90641, MedGen C3151897, MONDO:0010779, OMIM 500008.
Aminoglycoside-induced deafness. Also called: STREPTOMYCIN OTOTOXICITY; MT-RNR1-Related Hearing Loss and Deafness; DEAFNESS, STREPTOMYCIN-INDUCED. Identifiers: Orphanet 168609, MedGen C1838854, MONDO:0010799, OMIM 580000.
Gentamicin response. Also called: Garamycin response; Cidomycin response; Septopal response; Gentamicin sulfate response. Identifiers: MedGen CN184225.

Submissions (4):

3billion
Classification: Uncertain significance for Mitochondrial non-syndromic sensorineural hearing loss. Last evaluated: 2024-06-14. Review status: criteria provided, single submitter. Criteria: ACMG Guidelines, 2015. Collection method: clinical testing. Allele origin: germline. Affected: yes.
Comment: The variant is observed in the gnomAD v4.0.0 dataset (total allele frequency: 0.007%, homoplasmic allele frequency: 2.321%). Predicted Consequence/Location: non_coding_transcript_exon_variant The variant has been reported to be associated with MT-RNR1 related disorder (ClinVar ID: VCV000009634). However, the evidence of pathogenicity is insufficient at this time. Therefore, this variant is classified as VUS according to the recommendation of ACMG/AMP guideline.

Medical Genetics Summaries
Classification: drug response for Gentamicin response. Last evaluated: 2018-08-01. Review status: criteria provided, single submitter. Criteria: Medical Genetics Summaries: Gentamicin therapy and MT-RNR1 genotype. Collection method: curation. Allele origin: maternal. Affected: yes.
Comment: The m.827A>G variant has been associated with non-syndromic hearing loss, both with and without the use of aminoglycosides.

OMIM
Classification: Pathogenic for DEAFNESS, NONSYNDROMIC SENSORINEURAL, MITOCHONDRIAL. Last evaluated: 2008-04-11. Review status: no assertion criteria provided. Collection method: literature only. Allele origin: germline. Not counted in ClinVar's aggregate classification.

OMIM
Classification: Pathogenic for DEAFNESS, AMINOGLYCOSIDE-INDUCED. Last evaluated: 2008-04-11. Review status: no assertion criteria provided. Collection method: literature only. Allele origin: germline. Not counted in ClinVar's aggregate classification.

Literature cited by the submitters: PubMed 27654872 (cited by Medical Genetics Summaries); PubMed 16650816 (cited by OMIM); PubMed 16782057 (cited by OMIM); PubMed 18261986 (cited by OMIM).